The following is an entry in ClinVar:

ClinVar aggregate classification (germline): Uncertain significance (1 of 4 stars; one submission).

Conditions:
Leigh syndrome (NULS). Also called: Leigh's necrotizing encephalopathy; Leigh's disease; Leigh's syndrome; LEIGH SYNDROME, NUCLEAR; Leigh Syndrome (mtDNA deletion); Leigh Disease. Identifiers: Orphanet 506, MedGen C2931891, MONDO:0009723, OMIM 256000.

Submission:

Wong Mito Lab, Molecular and Human Genetics, Baylor College of Medicine
Classification: Uncertain significance for Leigh syndrome. Last evaluated: 2019-10-17. Review status: criteria provided, single submitter. Criteria: Modified ACMG Guidelines (Unpublished). Collection method: clinical testing. Allele origin: germline.
Comment: The NC_012920.1:m.15452_15453delinsAC (YP_003024038.1:p.Leu236Thr) variant in MTCYB gene is interpretated to be a Uncertain Significance variant based on the modified ACMG guidelines (unpublished). This variant meets the following evidence codes: PP4, PP6

NC_012920.1(MT-CYB):m.15452_15453delinsAC

Gene: MT-CYB (mitochondrially encoded cytochrome b; plus strand).
Variant type: Indel.
Genome position: chrM-15452-CT-AC.
Identifiers: ClinVar variation 693886 (VCV000693886.1), dbSNP rs1603225292, ClinGen allele CA915952151.